The following is an entry in ClinVar:

ClinVar aggregate classification (germline): Uncertain significance (1 of 4 stars; one submission).

Conditions:
Left ventricular noncompaction 8 (LVNC8). Identifiers: Orphanet 154, Orphanet 54260, MedGen C3809288, MONDO:0014152, OMIM 615373.

Submission:

Labcorp Genetics (formerly Invitae), Labcorp
Classification: Uncertain significance for Left ventricular noncompaction 8. Last evaluated: 2023-01-27. Review status: criteria provided, single submitter. Criteria: Invitae Variant Classification Sherloc (09022015). Collection method: clinical testing. Allele origin: unknown.
Comment: In summary, the available evidence is currently insufficient to determine the role of this variant in disease. Therefore, it has been classified as a Variant of Uncertain Significance. This variant has not been reported in the literature in individuals affected with PRDM16-related conditions. This variant is a gross deletion of the genomic region encompassing exon(s) 12-17 of the PRDM16 gene, which includes the termination codon. This deletion extends beyond the assayed region for this gene and therefore may encompass additional genes. While this deletion is not anticipated to lead to nonsense mediated decay, it is expected to alter mRNA translation or result in a truncated protein product.

NC_000001.10:g.(?_3335211)_(3350375_?)del

Gene: PRDM16 (PR/SET domain 16; plus strand). Cytogenetic location: 1p36.32.
Variant type: Deletion.
Identifiers: ClinVar variation 3247827 (VCV003247827.1).